The following is an entry in ClinVar:

NM_001267550.2(TTN):c.45350-11T>C

Genes: TTN (titin; minus strand), LOC126806427 (BRD4-independent group 4 enhancer GRCh37_chr2:179485777-179486976; plus strand). Cytogenetic location: 2q31.2.
Variant type: single nucleotide variant.
Coding change: c.45350-11T>C on transcript NM_001267550.2 (MANE Select); 11 bases into the intron before coding-DNA position 45350, T replaced by C.
Molecular consequence: intron variant.
Genome position (GRCh38, 1-based): chr2:178,621,379, A>G on the plus strand (T>C on the coding strand, the complement: TTN is on the minus strand). VCF-style: chr2-178621379-A-G. GRCh37 (hg19) VCF-style: chr2-179486106-A-G.
Other names: c.40427-11T>C (NM_001256850.1); c.18155-11T>C (NM_003319.4); c.18731-11T>C (NM_133437.4); c.18530-11T>C (NM_133432.3); c.37646-11T>C (NM_133378.4).
Identifiers: ClinVar variation 510685 (VCV000510685.4), dbSNP rs940979956, ClinGen allele CA60994183.

ClinVar aggregate classification (germline): Likely benign. Review status: criteria provided, multiple submitters, no conflicts (2 of 4 stars). 2 submissions from 2 submitters: Likely benign (2). Last evaluated 2025-07-14.

Conditions:
Dilated cardiomyopathy 1G (CMD1G). Identifiers: Orphanet 154, MedGen C1858763, MONDO:0011400, OMIM 604145.
Autosomal recessive limb-girdle muscular dystrophy type 2J (LGMDR10). Also called: Limb-girdle muscular dystrophy, type 2J; MUSCULAR DYSTROPHY, LIMB-GIRDLE, AUTOSOMAL RECESSIVE 10. Identifiers: Orphanet 140922, MedGen C1837342, MONDO:0012127, OMIM 608807.

Allele frequency attached by ClinVar (database versions not stated): gnomAD 0.00001; gnomAD exomes 0.00001; TOPMed 0.00003.
gnomAD v4.1: 5 of 1,607,334 alleles (0.00031%); highest among the groups gnomAD compares: Admixed American, 0.0017%; no homozygotes.

Submissions (2):

Labcorp Genetics (formerly Invitae), Labcorp
Classification: Likely benign for Dilated cardiomyopathy 1G; Autosomal recessive limb-girdle muscular dystrophy type 2J. Last evaluated: 2025-07-14. Review status: criteria provided, single submitter. Criteria: Invitae Variant Classification Sherloc (09022015). Collection method: clinical testing. Allele origin: germline.

GeneDx
Classification: Likely benign. Last evaluated: 2017-07-05. Review status: criteria provided, single submitter. Criteria: GeneDx Variant Classification (06012015). Collection method: clinical testing. Allele origin: germline. Affected: yes.
Comment: This variant is considered likely benign or benign based on one or more of the following criteria: it is a conservative change, it occurs at a poorly conserved position in the protein, it is predicted to be benign by multiple in silico algorithms, and/or has population frequency not consistent with disease.